The following is an entry in ClinVar:

ClinVar aggregate classification (germline): Benign/Likely benign. Review status: criteria provided, multiple submitters, no conflicts (2 of 4 stars). 4 submissions from 4 submitters: Benign (1); Likely benign (3). Last evaluated 2026-06-15.

Conditions:
Hereditary cancer-predisposing syndrome. Also called: Tumor predisposition; Hereditary neoplastic syndrome; Neoplastic Syndromes, Hereditary; Hereditary Cancer Syndrome. Identifiers: Orphanet 140162, MedGen C0027672, MeSH D009386, MONDO:0015356.
Polyps, multiple and recurrent inflammatory fibroid, gastrointestinal. Identifiers: MedGen C5193005, MONDO:0008285, OMIM 175510.
Gastrointestinal stromal tumor. Also called: Gastrointestinal stroma tumor; Gastrointestinal stromal tumor, somatic. Identifiers: Orphanet 44890, MedGen C0238198, MeSH D046152, MONDO:0011719, OMIM 606764, HP:0100723.

gnomAD v4.1: 9 of 1,612,344 alleles (0.00056%); highest among the groups gnomAD compares: Admixed American, 0.015%; no homozygotes.

Submissions (4):

Myriad Genetics, Inc.
Classification: Likely benign for Polyps, multiple and recurrent inflammatory fibroid, gastrointestinal. Last evaluated: 2026-06-15. Review status: criteria provided, single submitter. Criteria: Myriad Autosomal Dominant, Autosomal Recessive and X-Linked Classification Criteria (2023). Collection method: clinical testing. Allele origin: unknown.
Comment: This variant is considered likely benign. This variant is intronic and is not expected to impact mRNA splicing.

Labcorp Genetics (formerly Invitae), Labcorp
Classification: Likely benign for Gastrointestinal stromal tumor. Last evaluated: 2025-12-05. Review status: criteria provided, single submitter. Criteria: Invitae Variant Classification Sherloc (09022015). Collection method: clinical testing. Allele origin: germline.

Ambry Genetics
Classification: Benign for Hereditary cancer-predisposing syndrome. Last evaluated: 2024-03-20. Review status: criteria provided, single submitter. Criteria: Ambry Variant Classification Scheme 2023. Collection method: clinical testing. Allele origin: germline.

Sema4
Classification: Likely benign for Hereditary cancer-predisposing syndrome. Last evaluated: 2020-12-15. Review status: criteria provided, single submitter. Criteria: Sema4 Curation Guidelines. Collection method: curation. Allele origin: germline.

NM_006206.6(PDGFRA):c.2003-4A>T

Gene: PDGFRA (platelet derived growth factor receptor alpha; plus strand). Cytogenetic location: 4q12.
Variant type: single nucleotide variant.
Coding change: c.2003-4A>T on transcript NM_006206.6 (MANE Select); 4 bases into the intron before coding-DNA position 2003, A replaced by T.
Molecular consequence: intron variant.
Genome position (GRCh38, 1-based): chr4:54,278,358, A>T. VCF-style: chr4-54278358-A-T. GRCh37 (hg19) VCF-style: chr4-55144525-A-T.
Other names: c.2078-4A>T (NM_001347828.2); c.2003-4A>T (NM_001347827.2, NM_001347829.2); c.2042-4A>T (NM_001347830.2).
Identifiers: ClinVar variation 459036 (VCV000459036.15), dbSNP rs756002020, ClinGen allele CA2922734.